The following is an entry in ClinVar:

ClinVar aggregate classification (germline): Uncertain significance (1 of 4 stars; one submission).

Allele frequency attached by ClinVar (database versions not stated): gnomAD exomes below 0.00001.
gnomAD v4.1: 4 of 1,609,824 alleles (0.00025%); highest among the groups gnomAD compares: East Asian, 0.0089%; no homozygotes.

Submission:

Labcorp Genetics (formerly Invitae), Labcorp
Classification: Uncertain significance. Last evaluated: 2023-12-26. Review status: criteria provided, single submitter. Criteria: Invitae Variant Classification Sherloc (09022015). Collection method: clinical testing. Allele origin: germline.
Comment: This sequence change replaces aspartic acid, which is acidic and polar, with valine, which is neutral and non-polar, at codon 80 of the HNF1A protein (p.Asp80Val). This variant is present in population databases (no rsID available, gnomAD 0.006%). This missense change has been observed in individual(s) with maturity-onset diabetes of the young (MODY) (PMID: 32684311). Advanced modeling of protein sequence and biophysical properties (such as structural, functional, and spatial information, amino acid conservation, physicochemical variation, residue mobility, and thermodynamic stability) performed at Invitae indicates that this missense variant is not expected to disrupt HNF1A protein function with a negative predictive value of 80%. In summary, the available evidence is currently insufficient to determine the role of this variant in disease. Therefore, it has been classified as a Variant of Uncertain Significance.

Literature cited by the submitters: PubMed 32684311.

NM_000545.8(HNF1A):c.239A>T (p.Asp80Val)

Gene: HNF1A (HNF1 homeobox A; plus strand). Cytogenetic location: 12q24.31.
Variant type: single nucleotide variant.
Coding change: c.239A>T on transcript NM_000545.8 (MANE Select); coding-DNA position 239, A replaced by T.
Protein change: p.Asp80Val; replaces aspartic acid 80 with valine.
Molecular consequence: missense variant.
Genome position (GRCh38, 1-based): chr12:120,979,007, A>T. VCF-style: chr12-120979007-A-T. GRCh37 (hg19) VCF-style: chr12-121416810-A-T.
Other names: c.239A>T, p.Asp80Val (NM_001306179.2, NM_001406915.1); short protein forms D80V.
Identifiers: ClinVar variation 2853720 (VCV002853720.3), dbSNP rs1342558759, ClinGen allele CA386953980.